The following is an entry in ClinVar:

NM_001267550.2(TTN):c.14985A>C (p.Pro4995=)

Gene: TTN (titin; minus strand). Cytogenetic location: 2q31.2.
Variant type: single nucleotide variant.
Coding change: c.14985A>C on transcript NM_001267550.2 (MANE Select); coding-DNA position 14985, A replaced by C.
Protein change: p.Pro4995=; no amino-acid change (proline 4995 retained).
Molecular consequence: synonymous variant. On other transcripts: intron variant (3).
Genome position (GRCh38, 1-based): chr2:178,734,939, T>G on the plus strand (A>C on the coding strand, the complement: TTN is on the minus strand). VCF-style: chr2-178734939-T-G. GRCh37 (hg19) VCF-style: chr2-179599666-T-G.
Other names: c.14034A>C, p.Pro4678= (NM_001256850.1); c.11253A>C, p.Pro3751= (NM_133378.4); c.13282+3143A>C (NM_003319.4); c.13858+3143A>C (NM_133437.4); c.13657+3143A>C (NM_133432.3).
Identifiers: ClinVar variation 763643 (VCV000763643.11), dbSNP rs760725256, ClinGen allele CA430294837.

ClinVar aggregate classification (germline): Likely benign. Review status: criteria provided, multiple submitters, no conflicts (2 of 4 stars). 3 submissions from 3 submitters: Likely benign (3). Last evaluated 2025-12-21.

Conditions:
Dilated cardiomyopathy 1G (CMD1G). Identifiers: Orphanet 154, MedGen C1858763, MONDO:0011400, OMIM 604145.
Autosomal recessive limb-girdle muscular dystrophy type 2J (LGMDR10). Also called: Limb-girdle muscular dystrophy, type 2J; MUSCULAR DYSTROPHY, LIMB-GIRDLE, AUTOSOMAL RECESSIVE 10. Identifiers: Orphanet 140922, MedGen C1837342, MONDO:0012127, OMIM 608807.

gnomAD v4.1: 9 of 1,608,748 alleles (0.00056%); highest among the groups gnomAD compares: Non-Finnish European, 0.00059%; no homozygotes.

Submissions (3):

Labcorp Genetics (formerly Invitae), Labcorp
Classification: Likely benign for Dilated cardiomyopathy 1G; Autosomal recessive limb-girdle muscular dystrophy type 2J. Last evaluated: 2025-12-21. Review status: criteria provided, single submitter. Criteria: Invitae Variant Classification Sherloc (09022015). Collection method: clinical testing. Allele origin: germline.

Blueprint Genetics
Classification: Likely benign. Last evaluated: 2024-11-21. Review status: criteria provided, single submitter. Criteria: ACMG Guidelines, 2015. Collection method: clinical testing. Allele origin: germline.

Women's Health and Genetics/Laboratory Corporation of America, LabCorp
Classification: Likely benign. Last evaluated: 2023-06-23. Review status: criteria provided, single submitter. Criteria: LabCorp Variant Classification Summary - May 2015. Collection method: clinical testing. Allele origin: germline.
Comment: Variant summary: TTN c.11253A>C alters a non-conserved nucleotide resulting in a synonymous change. Several computational tools predict a potential impact on normal splicing: Four predict the variant abolishes a cryptic 3' acceptor site and three predict the variant weakens a cryptic 5' donor site. However, these predictions have yet to be confirmed by functional studies. The variant was absent in 237326 control chromosomes (gnomAD). The available data on variant occurrences in the general population are insufficient to allow any conclusion about variant significance. To our knowledge, no occurrence of c.11253A>C in individuals affected with Limb-Girdle Muscular Dystrophy, Type 2J and no experimental evidence demonstrating its impact on protein function have been reported. One submitter has provided a clinical-significance assessment for this variant to ClinVar after 2014 and has classified the variant as likely benign. Based on the evidence outlined above, the variant was classified as likely benign.